The following is an entry in ClinVar:

ClinVar aggregate classification (germline): Uncertain significance. Review status: criteria provided, multiple submitters, no conflicts (2 of 4 stars). 2 submissions from 2 submitters: Uncertain significance (2). Last evaluated 2025-07-23.

Allele frequency attached by ClinVar (database versions not stated): gnomAD exomes below 0.00001 and 0.00001; ExAC 0.00001; gnomAD 0.00002 and 0.00003; TOPMed 0.00002.
gnomAD v4.1: 8 of 1,612,052 alleles (0.0005%); highest among the groups gnomAD compares: Non-Finnish European, 0.00068%; no homozygotes.

Submissions (2):

GeneDx
Classification: Uncertain significance. Last evaluated: 2025-07-23. Review status: criteria provided, single submitter. Criteria: GeneDx Variant Classification Process June 2021. Collection method: clinical testing. Allele origin: germline.
Comment: Not observed at significant frequency in large population cohorts (gnomAD); In silico analysis suggests that this missense variant does not alter protein structure/function; Has not been previously published as pathogenic or benign to our knowledge

Labcorp Genetics (formerly Invitae), Labcorp
Classification: Uncertain significance. Last evaluated: 2022-03-27. Review status: criteria provided, single submitter. Criteria: Invitae Variant Classification Sherloc (09022015). Collection method: clinical testing. Allele origin: germline.
Comment: This sequence change replaces aspartic acid, which is acidic and polar, with glutamic acid, which is acidic and polar, at codon 1272 of the PTPN23 protein (p.Asp1272Glu). This variant is present in population databases (rs755231318, gnomAD 0.0009%). This variant has not been reported in the literature in individuals affected with PTPN23-related conditions. Algorithms developed to predict the effect of missense changes on protein structure and function are either unavailable or do not agree on the potential impact of this missense change (SIFT: "Tolerated"; PolyPhen-2: "Probably Damaging"; Align-GVGD: "Class C0"). In summary, the available evidence is currently insufficient to determine the role of this variant in disease. Therefore, it has been classified as a Variant of Uncertain Significance.

NM_015466.4(PTPN23):c.3816C>G (p.Asp1272Glu)

Gene: PTPN23 (protein tyrosine phosphatase non-receptor type 23; plus strand). Cytogenetic location: 3p21.31.
Variant type: single nucleotide variant.
Coding change: c.3816C>G on transcript NM_015466.4 (MANE Select); coding-DNA position 3816, C replaced by G.
Protein change: p.Asp1272Glu; replaces aspartic acid 1272 with glutamic acid.
Molecular consequence: missense variant.
Genome position (GRCh38, 1-based): chr3:47,411,614, C>G. VCF-style: chr3-47411614-C-G. GRCh37 (hg19) VCF-style: chr3-47453104-C-G.
Other names: c.3438C>G, p.Asp1146Glu (NM_001304482.2); c.3816C>G (NM_015466.2); short protein forms D1146E, D1272E.
Identifiers: ClinVar variation 1425439 (VCV001425439.6), dbSNP rs755231318, ClinGen allele CA2366356.